The following is an entry in ClinVar:

NM_006214.4(PHYH):c.511C>T (p.Arg171Cys)

Gene: PHYH (phytanoyl-CoA 2-hydroxylase; minus strand). Cytogenetic location: 10p13.
Variant type: single nucleotide variant.
Coding change: c.511C>T on transcript NM_006214.4 (MANE Select); coding-DNA position 511, C replaced by T.
Protein change: p.Arg171Cys; replaces arginine 171 with cysteine.
Molecular consequence: missense variant. On other transcripts: intron variant (1).
Genome position (GRCh38, 1-based): chr10:13,288,527, G>A on the plus strand (C>T on the coding strand, the complement: PHYH is on the minus strand). VCF-style: chr10-13288527-G-A. GRCh37 (hg19) VCF-style: chr10-13330527-G-A.
Other names: c.211C>T, p.Arg71Cys (NM_001037537.2, NM_001323080.2); c.517C>T, p.Arg173Cys (NM_001323082.2); c.217C>T, p.Arg73Cys (NM_001323084.2); c.415-4688C>T (NM_001323083.2); short protein forms R171C, R173C, R71C, R73C.
Identifiers: ClinVar variation 3339980 (VCV003339980.1).
Genomic context (GRCh38, chr10:13,288,527, plus strand): 5'-AAACGATGAGATCGCTGGGCCTGAAGGGGAAATAGTGCAGGTCCTGGTGCAGGGGGTGAC[G>A]GGACGTCTTCTTGCCTGAAAAGAAAACCTGCTACTAAAGGATACTCGAGGCCGAGTGCAG-3'
Protein context (NP_006205.1, residues 161-181): KPPDSGKKTS[Arg171Cys]HPLHQDLHYF

ClinVar aggregate classification (germline): Uncertain significance (1 of 4 stars; one submission).

gnomAD v4.1: 13 of 1,613,946 alleles (0.00081%); highest among the groups gnomAD compares: East Asian, 0.016%; no homozygotes.

Submission:

Women's Health and Genetics/Laboratory Corporation of America, LabCorp
Classification: Uncertain significance. Last evaluated: 2024-06-19. Review status: criteria provided, single submitter. Criteria: LabCorp Variant Classification Summary - May 2015. Collection method: clinical testing. Allele origin: germline.
Comment: Variant summary: PHYH c.511C>T (p.Arg171Cys) results in a non-conservative amino acid change in the encoded protein sequence. Five of five in-silico tools predict a damaging effect of the variant on protein function. The variant allele was found at a frequency of 4e-06 in 251388 control chromosomes. The available data on variant occurrences in the general population are insufficient to allow any conclusion about variant significance. To our knowledge, no occurrence of c.511C>T in individuals affected with Phytanic Acid Storage Disease and no experimental evidence demonstrating its impact on protein function have been reported. No submitters have cited clinical-significance assessments for this variant to ClinVar. Based on the evidence outlined above, the variant was classified as uncertain significance.